The following is an entry in ClinVar:

NM_001035.3(RYR2):c.10336G>A (p.Asp3446Asn)

Gene: RYR2 (ryanodine receptor 2; plus strand). Cytogenetic location: 1q43.
Variant type: single nucleotide variant.
Coding change: c.10336G>A on transcript NM_001035.3 (MANE Select); coding-DNA position 10336, G replaced by A.
Protein change: p.Asp3446Asn; replaces aspartic acid 3446 with asparagine.
Molecular consequence: missense variant.
Genome position (GRCh38, 1-based): chr1:237,717,210, G>A. VCF-style: chr1-237717210-G-A. GRCh37 (hg19) VCF-style: chr1-237880510-G-A.
Other names: short protein forms D3446N.
Identifiers: ClinVar variation 1771754 (VCV001771754.2), dbSNP rs2547451538, ClinGen allele CA345414137.

ClinVar aggregate classification (germline): Uncertain significance (1 of 4 stars; one submission).

Conditions:
Cardiovascular phenotype. Identifiers: MedGen CN230736.

Submission:

Ambry Genetics
Classification: Uncertain significance for Cardiovascular phenotype. Last evaluated: 2021-04-01. Review status: criteria provided, single submitter. Criteria: Ambry Variant Classification Scheme 2023. Collection method: clinical testing. Allele origin: germline.
Comment: The p.D3446N variant (also known as c.10336G>A), located in coding exon 72 of the RYR2 gene, results from a G to A substitution at nucleotide position 10336. The aspartic acid at codon 3446 is replaced by asparagine, an amino acid with highly similar properties. This amino acid position is well conserved in available vertebrate species. In addition, the in silico prediction for this alteration is inconclusive. Since supporting evidence is limited at this time, the clinical significance of this alteration remains unclear.